The following is an entry in ClinVar:

ClinVar aggregate classification (germline): Uncertain significance. Review status: criteria provided, multiple submitters, no conflicts (2 of 4 stars). 2 submissions from 2 submitters: Uncertain significance (2). Last evaluated 2023-09-26.

Conditions:
Inborn genetic diseases. Identifiers: MedGen C0950123, MeSH D030342.

Allele frequency attached by ClinVar (database versions not stated): gnomAD exomes below 0.00001 and 0.00001; TOPMed 0.00001; ExAC 0.00002.
gnomAD v4.1: 4 of 1,614,114 alleles (0.00025%); highest among the groups gnomAD compares: East Asian, 0.0089%; no homozygotes.

Submissions (2):

Ambry Genetics
Classification: Uncertain significance for Inborn genetic diseases. Last evaluated: 2023-09-26. Review status: criteria provided, single submitter. Criteria: Ambry Variant Classification Scheme 2023. Collection method: clinical testing. Allele origin: germline.

Labcorp Genetics (formerly Invitae), Labcorp
Classification: Uncertain significance. Last evaluated: 2021-08-09. Review status: criteria provided, single submitter. Criteria: Invitae Variant Classification Sherloc (09022015). Collection method: clinical testing. Allele origin: germline.
Comment: This sequence change replaces methionine with valine at codon 234 of the SC5D protein (p.Met234Val). The methionine residue is highly conserved and there is a small physicochemical difference between methionine and valine. This variant is present in population databases (rs770791777, ExAC 0.02%). This variant has not been reported in the literature in individuals affected with SC5D-related conditions. Algorithms developed to predict the effect of missense changes on protein structure and function output the following: SIFT: "Deleterious"; PolyPhen-2: "Benign"; Align-GVGD: "Class C0". The valine amino acid residue is found in multiple mammalian species, which suggests that this missense change does not adversely affect protein function. In summary, the available evidence is currently insufficient to determine the role of this variant in disease. Therefore, it has been classified as a Variant of Uncertain Significance.

NM_006918.5(SC5D):c.700A>G (p.Met234Val)

Gene: SC5D (sterol-C5-desaturase; plus strand). Cytogenetic location: 11q24.1.
Variant type: single nucleotide variant.
Coding change: c.700A>G on transcript NM_006918.5 (MANE Select); coding-DNA position 700, A replaced by G.
Protein change: p.Met234Val; replaces methionine 234 with valine.
Molecular consequence: missense variant.
Genome position (GRCh38, 1-based): chr11:121,307,312, A>G. VCF-style: chr11-121307312-A-G. GRCh37 (hg19) VCF-style: chr11-121178021-A-G.
Other names: c.700A>G, p.Met234Val (NM_001024956.3); c.700A>G (NM_006918.4); short protein forms M234V.
Identifiers: ClinVar variation 1420609 (VCV001420609.4), dbSNP rs770791777, ClinGen allele CA6328218.